The following is an entry in ClinVar:

ClinVar aggregate classification (germline): Likely benign. Review status: criteria provided, multiple submitters, no conflicts (2 of 4 stars). 2 submissions from 2 submitters: Likely benign (2). Last evaluated 2023-03-23.

Conditions:
Cardiomyopathy (CMYO). Also called: Cardiomyopathies. Identifiers: Orphanet 167848, MedGen C0878544, MONDO:0004994, HP:0001638. Inheritance: Various modes of inheritance.
Catecholaminergic polymorphic ventricular tachycardia (CVPT). Also called: Catecholamine-induced polymorphic ventricular tachycardia. Identifiers: Orphanet 3286, MedGen C5574922, MONDO:0017990.

gnomAD v4.1: 2 of 1,613,138 alleles (0.00012%); highest among the groups gnomAD compares: Non-Finnish European, 0.00017%; no homozygotes.

Submissions (2):

All of Us Research Program, National Institutes of Health
Classification: Likely benign for Catecholaminergic polymorphic ventricular tachycardia. Last evaluated: 2023-03-23. Review status: criteria provided, single submitter. Criteria: ACMG Guidelines, 2015. Collection method: clinical testing. Allele origin: germline. Inheritance: Autosomal dominant inheritance. Observed: 1 variant allele, 1 heterozygote.
Comment: This study involves interpretation of variants in research participants for the purpose of population health screening. Participant phenotype was not available at the time of variant classification. Additional details can be found in publication PMID: 35346344, PMCID: PMC8962531

Color Diagnostics, LLC DBA Color Health
Classification: Likely benign for Cardiomyopathy. Last evaluated: 2021-03-02. Review status: criteria provided, single submitter. Criteria: ACMG Guidelines, 2015. Collection method: clinical testing. Allele origin: germline.

NM_001035.3(RYR2):c.2907-4G>A

Gene: RYR2 (ryanodine receptor 2; plus strand). Cytogenetic location: 1q43.
Variant type: single nucleotide variant.
Coding change: c.2907-4G>A on transcript NM_001035.3 (MANE Select); 4 bases into the intron before coding-DNA position 2907, G replaced by A.
Molecular consequence: intron variant.
Genome position (GRCh38, 1-based): chr1:237,548,427, G>A. VCF-style: chr1-237548427-G-A. GRCh37 (hg19) VCF-style: chr1-237711727-G-A.
Identifiers: ClinVar variation 1332392 (VCV001332392.3), dbSNP rs2148089177, ClinGen allele CA2573051524.